The following is an entry in ClinVar:

ClinVar aggregate classification (germline): Uncertain significance (1 of 4 stars; one submission).

Conditions:
Familial adenomatous polyposis 1 (FAP1). Also called: FAMILIAL ADENOMATOUS POLYPOSIS 1, ATTENUATED; POLYPOSIS, ADENOMATOUS INTESTINAL. Identifiers: MedGen C2713442, MONDO:0021056, OMIM 175100. Disease mechanism: loss of function.

Submission:

Labcorp Genetics (formerly Invitae), Labcorp
Classification: Uncertain significance for Familial adenomatous polyposis 1. Last evaluated: 2024-12-08. Review status: criteria provided, single submitter. Criteria: Invitae Variant Classification Sherloc (09022015). Collection method: clinical testing. Allele origin: germline.
Comment: This variant occurs in a non-coding region of the APC gene. It does not change the encoded amino acid sequence of the APC protein. This variant is not present in population databases (gnomAD no frequency). This variant has not been reported in the literature in individuals affected with APC-related conditions. Experimental studies and prediction algorithms are not available or were not evaluated, and the functional significance of this variant is currently unknown. In summary, the available evidence is currently insufficient to determine the role of this variant in disease. Therefore, it has been classified as a Variant of Uncertain Significance.

NM_001127511.3(APC):c.-31T>A

Gene: APC (APC regulator of Wnt signaling pathway; plus strand). Cytogenetic location: 5q22.2.
Variant type: single nucleotide variant.
Coding change: c.-31T>A on transcript NM_001127511.3; 31 bases upstream of the start codon, T replaced by A.
Molecular consequence: 5 prime UTR variant. On other transcripts: non-coding transcript variant (1), intron variant (5).
Genome position (GRCh38, 1-based): chr5:112,707,687, T>A. VCF-style: chr5-112707687-T-A. GRCh37 (hg19) VCF-style: chr5-112043384-T-A.
Other names: c.-214T>A (NM_001407447.1, NM_001407452.1, NM_001407456.1 and 3 more transcripts); c.-1249T>A (NM_001407470.1, NM_001407472.1); c.-19+38T>A (NM_001407448.1, NM_001407450.1, NM_001407457.1 and 1 more transcripts); c.-43+38T>A (NM_001407453.1); c.-31T>A (NM_001354897.2, NM_001354902.2, NM_001407446.1).
Identifiers: ClinVar variation 1916352 (VCV001916352.4), dbSNP rs78429131, ClinGen allele CA2580072319.